The following is an entry in ClinVar:

NM_001374736.1(DST):c.17804T>A (p.Leu5935Gln)

Gene: DST (dystonin; minus strand). Cytogenetic location: 6p12.1.
Variant type: single nucleotide variant.
Coding change: c.17804T>A on transcript NM_001374736.1 (MANE Select); coding-DNA position 17804, T replaced by A.
Protein change: p.Leu5935Gln; replaces leucine 5935 with glutamine.
Molecular consequence: missense variant.
Genome position (GRCh38, 1-based): chr6:56,527,611, A>T on the plus strand (T>A on the coding strand, the complement: DST is on the minus strand). VCF-style: chr6-56527611-A-T. GRCh37 (hg19) VCF-style: chr6-56392409-A-T.
Other names: c.11447T>A, p.Leu3816Gln (NM_001144769.5); c.11033T>A, p.Leu3678Gln (NM_001144770.2); c.17804T>A, p.Leu5935Gln (NM_001374722.1); c.16844T>A, p.Leu5615Gln (NM_001374729.1); c.10586T>A, p.Leu3529Gln (NM_001374730.1); c.17831T>A, p.Leu5944Gln (NM_001374734.1); c.9935T>A, p.Leu3312Gln (NM_015548.5); c.10913T>A, p.Leu3638Gln (NM_183380.4); short protein forms L5944Q, L3312Q, L3638Q, L3816Q, L3678Q, L3529Q, L5615Q, L5935Q.
Identifiers: ClinVar variation 964913 (VCV000964913.12), dbSNP rs763300533, ClinGen allele CA3867359.

ClinVar aggregate classification (germline): Uncertain significance. Review status: criteria provided, multiple submitters, no conflicts (2 of 4 stars). 3 submissions from 3 submitters: Uncertain significance (3). Last evaluated 2021-08-27.

Conditions:
Epidermolysis bullosa simplex 3, localized or generalized intermediate, with BP230 deficiency (EBS3). Also called: Epidermolysis bullosa simplex, autosomal recessive 2; Epidermolysis bullosa simplex due to BP230 deficiency. Identifiers: Orphanet 412181, MedGen C3809470, MONDO:0014180, OMIM 615425.
Hereditary sensory and autonomic neuropathy type 6. Also called: Neuropathy, hereditary sensory and autonomic, type VI; HSAN VI. Identifiers: Orphanet 314381, MedGen C3539003, MONDO:0013839, OMIM 614653.
Inborn genetic diseases. Identifiers: MedGen C0950123, MeSH D030342.

Allele frequency attached by ClinVar (database versions not stated): gnomAD 0.00002; gnomAD exomes 0.00002 and 0.00004; TOPMed 0.00002; ExAC 0.00007.
gnomAD v4.1: 31 of 1,613,738 alleles (0.0019%); highest among the groups gnomAD compares: Non-Finnish European, 0.0025%; no homozygotes.

Submissions (3):

Labcorp Genetics (formerly Invitae), Labcorp
Classification: Uncertain significance for Epidermolysis bullosa simplex 3, localized or generalized intermediate, with BP230 deficiency; Hereditary sensory and autonomic neuropathy type 6. Last evaluated: 2021-08-27. Review status: criteria provided, single submitter. Criteria: Invitae Variant Classification Sherloc (09022015). Collection method: clinical testing. Allele origin: germline.

Ambry Genetics
Classification: Uncertain significance for Inborn genetic diseases. Last evaluated: 2020-07-07. Review status: criteria provided, single submitter. Criteria: Ambry Variant Classification Scheme 2023. Collection method: clinical testing. Allele origin: germline.
Comment: The p.L3816Q variant (also known as c.11447T>A), located in coding exon 62 of the DST gene, results from a T to A substitution at nucleotide position 11447. The leucine at codon 3816 is replaced by glutamine, an amino acid with dissimilar properties. This amino acid position is well conserved in available vertebrate species. In addition, this alteration is predicted to be deleterious by in silico analysis. Since supporting evidence is limited at this time, the clinical significance of this alteration remains unclear.

Mayo Clinic Laboratories, Mayo Clinic
Classification: Uncertain significance. Last evaluated: 2019-04-01. Review status: criteria provided, single submitter. Criteria: ACMG Guidelines, 2015. Collection method: clinical testing. Allele origin: germline. Observed: 1 variant allele.